The following is an entry in ClinVar:

ClinVar aggregate classification (germline): Uncertain significance. Review status: criteria provided, multiple submitters, no conflicts (2 of 4 stars). 2 submissions from 2 submitters: Uncertain significance (2). Last evaluated 2025-02-26.

Conditions:
Hereditary cancer-predisposing syndrome. Also called: Neoplastic Syndromes, Hereditary; Tumor predisposition; Hereditary Cancer Syndrome; Hereditary neoplastic syndrome. Identifiers: Orphanet 140162, MedGen C0027672, MeSH D009386, MONDO:0015356.

gnomAD v4.1: 1 of 1,614,142 alleles (0.000062%); no homozygotes.

Submissions (2):

Ambry Genetics
Classification: Uncertain significance for Hereditary cancer-predisposing syndrome. Last evaluated: 2025-02-26. Review status: criteria provided, single submitter. Criteria: Ambry Variant Classification Scheme 2023. Collection method: clinical testing. Allele origin: germline.
Comment: The p.S252G variant (also known as c.754A>G), located in coding exon 6 of the SMARCB1 gene, results from an A to G substitution at nucleotide position 754. The serine at codon 252 is replaced by glycine, an amino acid with similar properties. This amino acid position is highly conserved in available vertebrate species. In addition, the in silico prediction for this alteration is inconclusive. Based on the available evidence, the clinical significance of this variant remains unclear.

Labcorp Genetics (formerly Invitae), Labcorp
Classification: Uncertain significance. Last evaluated: 2022-04-29. Review status: criteria provided, single submitter. Criteria: Invitae Variant Classification Sherloc (09022015). Collection method: clinical testing. Allele origin: germline.
Comment: Algorithms developed to predict the effect of missense changes on protein structure and function (SIFT, PolyPhen-2, Align-GVGD) all suggest that this variant is likely to be tolerated. This sequence change replaces serine, which is neutral and polar, with glycine, which is neutral and non-polar, at codon 252 of the SMARCB1 protein (p.Ser252Gly). This variant is not present in population databases (gnomAD no frequency). This variant has not been reported in the literature in individuals affected with SMARCB1-related conditions. In summary, the available evidence is currently insufficient to determine the role of this variant in disease. Therefore, it has been classified as a Variant of Uncertain Significance.

NM_003073.5(SMARCB1):c.754A>G (p.Ser252Gly)

Gene: SMARCB1 (SWI/SNF related BAF chromatin remodeling complex subunit B1; plus strand). Cytogenetic location: 22q11.23.
Variant type: single nucleotide variant.
Coding change: c.754A>G on transcript NM_003073.5 (MANE Select); coding-DNA position 754, A replaced by G.
Protein change: p.Ser252Gly; replaces serine 252 with glycine.
Molecular consequence: missense variant.
Genome position (GRCh38, 1-based): chr22:23,816,895, A>G. VCF-style: chr22-23816895-A-G. GRCh37 (hg19) VCF-style: chr22-24159082-A-G.
Other names: c.727A>G, p.Ser243Gly (NM_001007468.3); c.781A>G, p.Ser261Gly (NM_001317946.2); c.808A>G, p.Ser270Gly (NM_001362877.2); short protein forms S261G, S270G, S252G, S243G.
Identifiers: ClinVar variation 1759465 (VCV001759465.6), dbSNP rs2146010289, ClinGen allele CA410901712.
Genomic context (GRCh38, chr22:23,816,895, plus strand): 5'-ACGTTTGTGCCAGCCATCGCCTCTGCCATCAGACAGCAGATCGAGTCCTACCCCACGGAC[A>G]GCATCCTGGAGGACCAGTCAGACCAGCGCGTCATCATCAAGGTAGGTGACTTCTCACCCA-3'
Protein context (NP_003064.2, residues 242-262): RQQIESYPTD[Ser252Gly]ILEDQSDQRV